The following is an entry in ClinVar:

ClinVar aggregate classification (germline): Uncertain significance. Review status: criteria provided, multiple submitters, no conflicts (2 of 4 stars). 2 submissions from 2 submitters: Uncertain significance (2). Last evaluated 2022-02-18.

gnomAD v4.1: 3 of 1,614,002 alleles (0.00019%); highest among the groups gnomAD compares: African/African-American, 0.0013%; no homozygotes.

Submissions (2):

Women's Health and Genetics/Laboratory Corporation of America, LabCorp
Classification: Uncertain significance. Last evaluated: 2022-02-18. Review status: criteria provided, single submitter. Criteria: LabCorp Variant Classification Summary - May 2015. Collection method: clinical testing. Allele origin: germline.
Comment: Variant summary: TRIM32 c.463C>T (p.Arg155Cys) results in a non-conservative amino acid change in the encoded protein sequence. Four of five in-silico tools predict a benign effect of the variant on protein function. The variant allele was found at a frequency of 4e-06 in 251114 control chromosomes. The available data on variant occurrences in the general population are insufficient to allow any conclusion about variant significance. To our knowledge, no occurrence of c.463C>T in individuals affected with Limb-Girdle Muscular Dystrophy, Autosomal Recessive and no experimental evidence demonstrating its impact on protein function have been reported. No clinical diagnostic laboratories have submitted clinical-significance assessments for this variant to ClinVar after 2014. Based on the evidence outlined above, the variant was classified as uncertain significance.

Revvity Omics, Revvity
Classification: Uncertain significance. Last evaluated: 2020-06-23. Review status: criteria provided, single submitter. Criteria: ACMG Guidelines, 2015. Collection method: clinical testing. Allele origin: germline.

NM_012210.4(TRIM32):c.463C>T (p.Arg155Cys)

Genes: ASTN2 (astrotactin 2; minus strand), TRIM32 (tripartite motif containing 32; plus strand). Cytogenetic location: 9q33.1.
Variant type: single nucleotide variant.
Coding change: c.463C>T on transcript NM_012210.4 (MANE Select); coding-DNA position 463, C replaced by T.
Protein change: p.Arg155Cys; replaces arginine 155 with cysteine.
Molecular consequence: missense variant. On other transcripts: intron variant (3).
Genome position (GRCh38, 1-based): chr9:116,698,205, C>T. VCF-style: chr9-116698205-C-T. GRCh37 (hg19) VCF-style: chr9-119460484-C-T.
Other names: c.2653+27566G>A (NM_014010.5); c.2794+27566G>A (NM_001365069.1); c.2806+27566G>A (NM_001365068.1); c.463C>T, p.Arg155Cys (NM_001099679.2, NM_001379048.1, NM_001379049.1 and 1 more transcripts); short protein forms R155C.
Identifiers: ClinVar variation 1343638 (VCV001343638.4), dbSNP rs374055553, ClinGen allele CA5210983.
Genomic context (GRCh38, chr9:116,698,205, plus strand): 5'-ACACTCCCTGTCAAAGAAGCAGCTGAGGAGCGGCGTCGGGACTTTGGAGAGAAGTTAACT[C>T]GTCTGCGGGAACTTATGGGGGAGCTGCAGCGGCGGAAGGCAGCCTTGGAAGGTGTCTCCA-3'
Protein context (NP_036342.2, residues 145-165): RRRDFGEKLT[Arg155Cys]LRELMGELQR